The following is an entry in ClinVar:

NM_005618.4(DLL1):c.978G>T (p.Glu326Asp)

Gene: DLL1 (delta like canonical Notch ligand 1; minus strand). Cytogenetic location: 6q27.
Variant type: single nucleotide variant.
Coding change: c.978G>T on transcript NM_005618.4 (MANE Select); coding-DNA position 978, G replaced by T.
Protein change: p.Glu326Asp; replaces glutamic acid 326 with aspartic acid.
Molecular consequence: missense variant.
Genome position (GRCh38, 1-based): chr6:170,285,308, C>A on the plus strand (G>T on the coding strand, the complement: DLL1 is on the minus strand). VCF-style: chr6-170285308-C-A. GRCh37 (hg19) VCF-style: chr6-170594396-C-A.
Other names: short protein forms E326D.
Identifiers: ClinVar variation 3731215 (VCV003731215.2).

ClinVar aggregate classification (germline): Uncertain significance (1 of 4 stars; one submission).

Submission:

GeneDx
Classification: Uncertain significance. Last evaluated: 2026-01-15. Review status: criteria provided, single submitter. Criteria: GeneDx Variant Classification Process June 2021. Collection method: clinical testing. Allele origin: germline.
Comment: Not observed at significant frequency in large population cohorts (gnomAD); In silico analysis suggests that this missense variant does not alter protein structure/function; Has not been previously published as pathogenic or benign to our knowledge